The following is an entry in ClinVar:

ClinVar aggregate classification (germline): Uncertain significance (1 of 4 stars; one submission).

Submission:

GeneDx
Classification: Uncertain significance. Last evaluated: 2022-11-25. Review status: criteria provided, single submitter. Criteria: GeneDx Variant Classification Process June 2021. Collection method: clinical testing. Allele origin: germline. Affected: yes.
Comment: Not observed at significant frequency in large population cohorts (gnomAD); In silico analysis supports that this missense variant has a deleterious effect on protein structure/function; Has not been previously published as pathogenic or benign to our knowledge

NM_004463.3(FGD1):c.1163A>T (p.Tyr388Phe)

Gene: FGD1 (FYVE, RhoGEF and PH domain containing 1; minus strand). Cytogenetic location: Xp11.22.
Variant type: single nucleotide variant.
Coding change: c.1163A>T on transcript NM_004463.3 (MANE Select); coding-DNA position 1163, A replaced by T.
Protein change: p.Tyr388Phe; replaces tyrosine 388 with phenylalanine.
Molecular consequence: missense variant.
Genome position (GRCh38, 1-based): chrX:54,468,815, T>A on the plus strand (A>T on the coding strand, the complement: FGD1 is on the minus strand). VCF-style: chrX-54468815-T-A. GRCh37 (hg19) VCF-style: chrX-54495248-T-A.
Other names: short protein forms Y388F.
Identifiers: ClinVar variation 2503185 (VCV002503185.1), dbSNP rs2522713147, ClinGen allele CA413247095.